The following is an entry in ClinVar:

ClinVar aggregate classification (germline): Uncertain significance (1 of 4 stars; one submission).

Conditions:
Familial cancer of breast. Also called: hereditary breast carcinoma; BREAST CANCER, FAMILIAL; Hereditary breast cancer. Identifiers: Orphanet 227535, MedGen C0346153, MONDO:0016419, OMIM 114480. Disease mechanism: loss of function.

Submission:

Labcorp Genetics (formerly Invitae), Labcorp
Classification: Uncertain significance for Familial cancer of breast. Last evaluated: 2023-05-17. Review status: criteria provided, single submitter. Criteria: Invitae Variant Classification Sherloc (09022015). Collection method: clinical testing. Allele origin: germline.
Comment: This sequence change replaces lysine, which is basic and polar, with asparagine, which is neutral and polar, at codon 325 of the CHEK2 protein (p.Lys325Asn). This variant is not present in population databases (gnomAD no frequency). This variant has not been reported in the literature in individuals affected with CHEK2-related conditions. ClinVar contains an entry for this variant (Variation ID: 2108355). An algorithm developed to predict the effect of missense changes on protein structure and function (PolyPhen-2) suggests that this variant is likely to be disruptive. In summary, the available evidence is currently insufficient to determine the role of this variant in disease. Therefore, it has been classified as a Variant of Uncertain Significance.

NM_007194.4(CHEK2):c.975G>T (p.Lys325Asn)

Gene: CHEK2 (checkpoint kinase 2; minus strand). Cytogenetic location: 22q12.1.
Variant type: single nucleotide variant.
Coding change: c.975G>T on transcript NM_007194.4 (MANE Select); coding-DNA position 975, G replaced by T.
Protein change: p.Lys325Asn; replaces lysine 325 with asparagine.
Molecular consequence: missense variant.
Genome position (GRCh38, 1-based): chr22:28,699,871, C>A on the plus strand (G>T on the coding strand, the complement: CHEK2 is on the minus strand). VCF-style: chr22-28699871-C-A. GRCh37 (hg19) VCF-style: chr22-29095859-C-A.
Other names: c.1104G>T, p.Lys368Asn (NM_001005735.3); c.312G>T, p.Lys104Asn (NM_001257387.3); c.774G>T, p.Lys258Asn (NM_001349956.3); c.975G>T, p.Lys325Asn (NM_145862.3); short protein forms K258N, K325N, K368N, K104N.
Identifiers: ClinVar variation 2108355 (VCV002108355.4), dbSNP rs2145842576, ClinGen allele CA411099655.
Genomic context (GRCh38, chr22:28,699,871, plus strand): 5'-GTCAAAAGAATTGAGGGCTTCTTTTACCTGCACAGCCAAGAGCATCTGGTAAAAATAGAG[C>A]TTGCAGGTAGCTTCTTTCAGGCGTTTATTCCCCACCACTTTGTCAAACAGCTCTCCCCCT-3'
Protein context (NP_009125.1, residues 315-335): GNKRLKEATC[Lys325Asn]LYFYQMLLAV